The following is an entry in ClinVar:

NM_033026.6(PCLO):c.814T>A (p.Leu272Met)

Gene: PCLO (piccolo presynaptic cytomatrix protein; minus strand). Cytogenetic location: 7q21.11.
Variant type: single nucleotide variant.
Coding change: c.814T>A on transcript NM_033026.6 (MANE Select); coding-DNA position 814, T replaced by A.
Protein change: p.Leu272Met; replaces leucine 272 with methionine.
Molecular consequence: missense variant.
Genome position (GRCh38, 1-based): chr7:83,155,827, A>T on the plus strand (T>A on the coding strand, the complement: PCLO is on the minus strand). VCF-style: chr7-83155827-A-T. GRCh37 (hg19) VCF-style: chr7-82785143-A-T.
Other names: c.814T>A, p.Leu272Met (NM_014510.3); short protein forms L272M.
Identifiers: ClinVar variation 2175531 (VCV002175531.4), dbSNP rs749828837, ClinGen allele CA4321597.
Genomic context (GRCh38, chr7:83,155,827, plus strand): 5'-CTCCCCTTACTATGTCTGCCTGTTTAGTCTGAGGCCTGGATGCATCTCGTTGAAGTGGCA[A>T]TTTTGCATGGTCTGTCTGAGGAGTCTGGGTAGGACCCTGAATTGGCTTTCCTGTACCTGG-3'
Protein context (NP_149015.2, residues 262-282): TQTPQTDHAK[Leu272Met]PLQRDASRPQ

ClinVar aggregate classification (germline): Uncertain significance (1 of 4 stars; one submission).

Allele frequency attached by ClinVar (database versions not stated): gnomAD exomes 0.00003; ExAC 0.00005; TOPMed 0.00006; gnomAD 0.00007.
gnomAD v4.1: 52 of 1,613,652 alleles (0.0032%); highest among the groups gnomAD compares: Non-Finnish European, 0.00051%; no homozygotes.

Submission:

Labcorp Genetics (formerly Invitae), Labcorp
Classification: Uncertain significance. Last evaluated: 2026-01-17. Review status: criteria provided, single submitter. Criteria: Invitae Variant Classification Sherloc (09022015). Collection method: clinical testing. Allele origin: germline.
Comment: This sequence change replaces leucine, which is neutral and non-polar, with methionine, which is neutral and non-polar, at codon 272 of the PCLO protein (p.Leu272Met). This variant is present in population databases (rs749828837, gnomAD 0.1%). This variant has not been reported in the literature in individuals affected with PCLO-related conditions. ClinVar contains an entry for this variant (Variation ID: 2175531). Experimental studies and prediction algorithms are not available or were not evaluated, and the functional significance of this variant is currently unknown. In summary, the available evidence is currently insufficient to determine the role of this variant in disease. Therefore, it has been classified as a Variant of Uncertain Significance.